The following is an entry in ClinVar:

NM_000297.4(PKD2):c.224C>A (p.Pro75His)

Genes: PKD2 (polycystin 2, transient receptor potential cation channel; plus strand), LOC129992813 (ATAC-STARR-seq lymphoblastoid silent region 15559; plus strand). Cytogenetic location: 4q22.1.
Variant type: single nucleotide variant.
Coding change: c.224C>A on transcript NM_000297.4 (MANE Select); coding-DNA position 224, C replaced by A.
Protein change: p.Pro75His; replaces proline 75 with histidine.
Molecular consequence: missense variant. On other transcripts: non-coding transcript variant (1).
Genome position (GRCh38, 1-based): chr4:88,007,957, C>A. VCF-style: chr4-88007957-C-A. GRCh37 (hg19) VCF-style: chr4-88929109-C-A.
Other names: short protein forms P75H.
Identifiers: ClinVar variation 2796066 (VCV002796066.3), dbSNP rs2476357389, ClinGen allele CA357625777.

ClinVar aggregate classification (germline): Uncertain significance (1 of 4 stars; one submission).

Conditions:
Autosomal dominant polycystic kidney disease. Identifiers: Orphanet 730, MedGen C0085413, MONDO:0004691.

gnomAD v4.1: 1 of 1,488,068 alleles (0.000067%); highest among the groups gnomAD compares: Non-Finnish European, 0.000089%; no homozygotes.

Submission:

Labcorp Genetics (formerly Invitae), Labcorp
Classification: Uncertain significance for Autosomal dominant polycystic kidney disease. Last evaluated: 2023-11-14. Review status: criteria provided, single submitter. Criteria: Invitae Variant Classification Sherloc (09022015). Collection method: clinical testing. Allele origin: germline.
Comment: This sequence change replaces proline, which is neutral and non-polar, with histidine, which is basic and polar, at codon 75 of the PKD2 protein (p.Pro75His). This variant is not present in population databases (gnomAD no frequency). This variant has not been reported in the literature in individuals affected with PKD2-related conditions. An algorithm developed to predict the effect of missense changes on protein structure and function (PolyPhen-2) suggests that this variant is likely to be disruptive. In summary, the available evidence is currently insufficient to determine the role of this variant in disease. Therefore, it has been classified as a Variant of Uncertain Significance.